The following is an entry in ClinVar:

ClinVar aggregate classification (germline): Conflicting classifications of pathogenicity. Review status: criteria provided, conflicting classifications (1 of 4 stars). 6 submissions from 6 submitters: Uncertain significance (5); Likely benign (1). Last evaluated 2026-06-12.

Conditions:
Cardiovascular phenotype. Identifiers: MedGen CN230736.
Hypertrophic cardiomyopathy 26. Also called: Cardiomyopathy, familial hypertrophic, 26. Identifiers: Orphanet 75249, MedGen C4310749, MONDO:0014883, OMIM 617047.
Distal myopathy with posterior leg and anterior hand involvement. Also called: WILLIAMS DISTAL MYOPATHY. Identifiers: Orphanet 63273, MedGen C3279722, MONDO:0013550, OMIM 614065.
Myofibrillar myopathy 5. Also called: Filaminopathy (type); FILAMINOPATHY, AUTOSOMAL DOMINANT. Identifiers: Orphanet 171445, MedGen C1836050, MONDO:0012289, OMIM 609524.

Allele frequency attached by ClinVar (database versions not stated): 1000 Genomes Project 0.00020; ESP Exome Variant Server 0.00023; gnomAD exomes 0.00001 and 0.00002; ExAC 0.00002; gnomAD 0.00007 and 0.00009; TOPMed 0.00012; 1000 Genomes Project 30x 0.00016.

Submissions (6):

Women's Health and Genetics/Laboratory Corporation of America, LabCorp
Classification: Uncertain significance. Last evaluated: 2026-06-12. Review status: criteria provided, single submitter. Criteria: LabCorp Variant Classification Summary - May 2015. Collection method: clinical testing. Allele origin: germline.

Labcorp Genetics (formerly Invitae), Labcorp
Classification: Likely benign for Distal myopathy with posterior leg and anterior hand involvement; Myofibrillar myopathy 5; Hypertrophic cardiomyopathy 26. Last evaluated: 2025-12-13. Review status: criteria provided, single submitter. Criteria: Invitae Variant Classification Sherloc (09022015). Collection method: clinical testing. Allele origin: germline.

GeneDx
Classification: Uncertain significance. Last evaluated: 2024-08-29. Review status: criteria provided, single submitter. Criteria: GeneDx Variant Classification Process June 2021. Collection method: clinical testing. Allele origin: germline. Affected: yes.
Comment: Has not been previously published as pathogenic or benign to our knowledge; In silico analysis indicates that this missense variant does not alter protein structure/function

Ambry Genetics
Classification: Uncertain significance for Cardiovascular phenotype. Last evaluated: 2024-04-29. Review status: criteria provided, single submitter. Criteria: Ambry Variant Classification Scheme 2023. Collection method: clinical testing. Allele origin: germline.
Comment: The p.M1804L variant (also known as c.5410A>T), located in coding exon 33 of the FLNC gene, results from an A to T substitution at nucleotide position 5410. The methionine at codon 1804 is replaced by leucine, an amino acid with highly similar properties. This amino acid position is highly conserved in available vertebrate species. In addition, the in silico prediction for this alteration is inconclusive. Based on the available evidence, the clinical significance of this variant remains unclear.

Fulgent Genetics
Classification: Uncertain significance for Myofibrillar myopathy 5; Distal myopathy with posterior leg and anterior hand involvement; Hypertrophic cardiomyopathy 26. Last evaluated: 2021-10-20. Review status: criteria provided, single submitter. Criteria: ACMG Guidelines, 2015. Collection method: clinical testing. Allele origin: unknown.

Revvity Omics, Revvity
Classification: Uncertain significance. Last evaluated: 2019-06-17. Review status: criteria provided, single submitter. Criteria: ACMG Guidelines, 2015. Collection method: clinical testing. Allele origin: germline.

NM_001458.5(FLNC):c.5410A>T (p.Met1804Leu)

Genes: FLNC (filamin C; plus strand), FLNC-AS1 (FLNC antisense RNA 1; minus strand). Cytogenetic location: 7q32.1.
Variant type: single nucleotide variant.
Coding change: c.5410A>T on transcript NM_001458.5 (MANE Select); coding-DNA position 5410, A replaced by T.
Protein change: p.Met1804Leu; replaces methionine 1804 with leucine.
Molecular consequence: missense variant.
Genome position (GRCh38, 1-based): chr7:128,850,814, A>T. VCF-style: chr7-128850814-A-T. GRCh37 (hg19) VCF-style: chr7-128490868-A-T.
Other names: c.5311A>T, p.Met1771Leu (NM_001127487.2); short protein forms M1804L, M1771L.
Identifiers: ClinVar variation 661551 (VCV000661551.17), dbSNP rs201949844, ClinGen allele CA4475689.